The following is an entry in ClinVar:

ClinVar aggregate classification (germline): Pathogenic (0 of 4 stars; one submission).

Conditions:
Tooth agenesis, selective, 3 (STHAG3). Also called: HYPODONTIA/OLIGODONTIA 3. Identifiers: Orphanet 99798, MedGen C1970291, MONDO:0011477, OMIM 604625. Disease mechanism: loss of function.

Submission:

Centre for Genetic Disorders, Banaras Hindu University
Classification: Pathogenic for Tooth agenesis, selective, 3. Last evaluated: 2017-03-20. Review status: no assertion criteria provided. Collection method: not provided. Allele origin: germline. Inheritance: Autosomal dominant inheritance.
Comment: The Cys112Trp variant in PAX9 has been reported in 1 Indian families with autosomal dominant Congenital tooth agenesis (OMIM ID #604625). This variation has been identified in all the affected individuals but absent in unaffected family members and 200 control chromosomes. This variation was also not reported in NCBI-dbSNP, ClinVar and The 1000 Genome databases. Additionally, in vitro functional studies indicate that the Cys276Trp variant disrupts DNA binding activity of mutant PAX9 protein. It also disrupts the protein-protein interaction with MSX1. In summary, the Cys237Trp variant is proposed to be classified as pathogenic based upon the segregation pattern association with disease phenotype and functional assay.

NM_001372076.1(PAX9):c.336C>G (p.Cys112Trp)

Gene: PAX9 (paired box 9; plus strand). Cytogenetic location: 14q13.3.
Variant type: single nucleotide variant.
Coding change: c.336C>G on transcript NM_001372076.1 (MANE Select); coding-DNA position 336, C replaced by G.
Protein change: p.Cys112Trp; replaces cysteine 112 with tryptophan.
Molecular consequence: missense variant.
Genome position (GRCh38, 1-based): chr14:36,663,228, C>G. VCF-style: chr14-36663228-C-G. GRCh37 (hg19) VCF-style: chr14-37132433-C-G.
Other names: c.336C>G, p.Cys112Trp (NM_006194.4); short protein forms C112W.
Identifiers: ClinVar variation 155939 (VCV000155939.1), dbSNP rs587776350, ClinGen allele CA171021.